The following is an entry in ClinVar:

NM_003072.5(SMARCA4):c.942G>T (p.Ala314=)

Gene: SMARCA4 (SWI/SNF related BAF chromatin remodeling complex subunit ATPase 4; plus strand). Cytogenetic location: 19p13.2.
Variant type: single nucleotide variant.
Coding change: c.942G>T on transcript NM_003072.5 (MANE Select); coding-DNA position 942, G replaced by T.
Protein change: p.Ala314=; no amino-acid change (alanine 314 retained).
Molecular consequence: synonymous variant. On other transcripts: non-coding transcript variant (1).
Genome position (GRCh38, 1-based): chr19:10,987,748, G>T. VCF-style: chr19-10987748-G-T. GRCh37 (hg19) VCF-style: chr19-11098424-G-T.
Other names: c.942G>T, p.Ala314= (NM_001128844.3, NM_001128845.2, NM_001128846.2 and 4 more transcripts).
Identifiers: ClinVar variation 759724 (VCV000759724.11), dbSNP rs567283924, ClinGen allele CA9203640.

ClinVar aggregate classification (germline): Benign/Likely benign. Review status: criteria provided, multiple submitters, no conflicts (2 of 4 stars). 3 submissions from 3 submitters: Benign (1); Likely benign (2). Last evaluated 2026-07-09.

Conditions:
Rhabdoid tumor predisposition syndrome 2 (RTPS2). Identifiers: Orphanet 231108, Orphanet 69077, MedGen C2750074, MONDO:0013224, OMIM 613325.
Hereditary cancer-predisposing syndrome. Also called: Hereditary neoplastic syndrome; Neoplastic Syndromes, Hereditary; Tumor predisposition; Hereditary Cancer Syndrome. Identifiers: Orphanet 140162, MedGen C0027672, MeSH D009386, MONDO:0015356.

gnomAD v4.1: 1 of 1,598,276 alleles (0.000063%); highest among the groups gnomAD compares: Non-Finnish European, 0.000085%; no homozygotes.

Submissions (3):

Myriad Genetics, Inc.
Classification: Benign for Rhabdoid tumor predisposition syndrome 2. Last evaluated: 2026-07-09. Review status: criteria provided, single submitter. Criteria: Myriad Autosomal Dominant, Autosomal Recessive and X-Linked Classification Criteria (2023). Collection method: clinical testing. Allele origin: unknown.
Comment: This variant is considered benign. This variant is a silent/synonymous amino acid change and it is not expected to impact splicing.

Labcorp Genetics (formerly Invitae), Labcorp
Classification: Likely benign for Rhabdoid tumor predisposition syndrome 2. Last evaluated: 2025-11-08. Review status: criteria provided, single submitter. Criteria: Invitae Variant Classification Sherloc (09022015). Collection method: clinical testing. Allele origin: germline.

Ambry Genetics
Classification: Likely benign for Hereditary cancer-predisposing syndrome. Last evaluated: 2023-09-20. Review status: criteria provided, single submitter. Criteria: Ambry Variant Classification Scheme 2023. Collection method: clinical testing. Allele origin: germline.